The following is an entry in ClinVar:

NM_001009944.3(PKD1):c.6491C>G (p.Ser2164Ter)

Gene: PKD1 (polycystin 1, transient receptor potential channel interacting; minus strand). Cytogenetic location: 16p13.3.
Variant type: single nucleotide variant.
Coding change: c.6491C>G on transcript NM_001009944.3 (MANE Select); coding-DNA position 6491, C replaced by G.
Protein change: p.Ser2164Ter; replaces serine 2164 with a stop codon.
Molecular consequence: nonsense.
Genome position (GRCh38, 1-based): chr16:2,108,676, G>C on the plus strand (C>G on the coding strand, the complement: PKD1 is on the minus strand). VCF-style: chr16-2108676-G-C. GRCh37 (hg19) VCF-style: chr16-2158677-G-C.
Other names: c.6491C>G, p.Ser2164Ter (NM_000296.4); short protein forms S2164*.
Identifiers: ClinVar variation 1801031 (VCV001801031.15), dbSNP rs1257689527, ClinGen allele CA394373457.

ClinVar aggregate classification (germline): Pathogenic. Review status: criteria provided, multiple submitters, no conflicts (2 of 4 stars). 2 submissions from 2 submitters: Pathogenic (2). Last evaluated 2024-11-01.

Submissions (2):

CeGaT Center for Human Genetics Tuebingen
Classification: Pathogenic. Last evaluated: 2024-11-01. Review status: criteria provided, single submitter. Criteria: CeGaT Center For Human Genetics Tuebingen Variant Classification Criteria Version 2. Collection method: clinical testing. Allele origin: germline. Affected: yes. Observed: 1 variant allele.
Comment: PKD1: PVS1, PM2, PS4:Moderate

GeneDx
Classification: Pathogenic. Last evaluated: 2022-11-21. Review status: criteria provided, single submitter. Criteria: GeneDx Variant Classification Process June 2021. Collection method: clinical testing. Allele origin: germline. Affected: yes.
Comment: Nonsense variant predicted to result in protein truncation or nonsense mediated decay in a gene for which loss-of-function is a known mechanism of disease; Not observed in large population cohorts (gnomAD); This variant is associated with the following publications: (PMID: 25525159, 22508176, 32097206, 31740684, 11967008)